The following is an entry in ClinVar:

ClinVar aggregate classification (germline): Pathogenic/Likely pathogenic. Review status: criteria provided, multiple submitters, no conflicts (2 of 4 stars). 6 submissions from 6 submitters: Pathogenic (1); Likely pathogenic (4). 1 of the submissions does not count toward it. Last evaluated 2026-05-07.

Conditions:
Cystic fibrosis (CF). Also called: MUCOVISCIDOSIS. Identifiers: Orphanet 586, MedGen C0010674, MONDO:0009061, OMIM 219700. Disease mechanism: loss of function.
CFTR-related disorder (CFTR-RD). Also called: CFTR-related disorders; CFTR-related condition. Identifiers: MedGen C5924204, MONDO:7770004.

Allele frequency attached by ClinVar (database versions not stated): TOPMed below 0.00001.

Submissions (6):

Women's Health and Genetics/Laboratory Corporation of America, LabCorp
Classification: Likely pathogenic for Cystic fibrosis. Last evaluated: 2026-05-07. Review status: criteria provided, single submitter. Criteria: LabCorp Variant Classification Summary - May 2015. Collection method: clinical testing. Allele origin: germline.
Comment: Variant summary: CFTR c.164+2dupT is located close to a canonical splice site and therefore could affect mRNA splicing, leading to a significantly altered protein sequence. Several computational tools predict a significant impact on normal splicing: two predict the variant abolishes the 5' splicing donor site, while two predict the variant weakens the 5' donor site. At least one publication reports experimental evidence that this variant affects mRNA splicing, demonstrating in-frame exon 2 skipping combined with out-of-frame exons 2 plus 3 skipping, in patient derived epithelial cell samples (Prior-de Castro_2024). The variant was absent in 249608 control chromosomes (gnomAD). c.164+2dupT has been observed in confirmed- and presumed compound heterozygous state in at least 2 individuals affected with Cystic Fibrosis (e.g., Prior-de Castro_2024, internal data). These data indicate that the variant may be associated with disease. The following publication has been ascertained in the context of this evaluation (PMID: 38151412). ClinVar contains an entry for this variant (Variation ID: 553656). Based on the evidence outlined above, the variant was classified as likely pathogenic.

Natera, Inc.
Classification: Likely pathogenic for CFTR-related disorders. Last evaluated: 2025-01-16. Review status: criteria provided, single submitter. Criteria: Natera Variant Classification Schema (03/2026). Collection method: clinical testing. Allele origin: germline.
Comment: The c.164+2dupT variant in CFTR is a canonical splice donor site variant predicted to affect pre-mRNA splicing, which may result in an abnormal transcript and altered protein product. This variant is rare in the general population with a frequency below the threshold expected for the associated phenotype(s). This variant has been observed in one or more individuals affected with the associated recessive disease, as either homozygous or compound heterozygous with a second variant (PMID: 38151412). Functional studies show that this variant may disrupt protein function (PMID: 38151412). Computational prediction algorithms indicate this variant is likely to affect gene or protein function. Given the available evidence, this variant is classified as Likely Pathogenic.

Johns Hopkins Genomics, Johns Hopkins University
Classification: Likely pathogenic for Cystic fibrosis. Last evaluated: 2024-04-10. Review status: criteria provided, single submitter. Criteria: ACMG Guidelines, 2015. Collection method: clinical testing. Allele origin: germline.
Comment: CFTR c.164+2dup is absent from a large population dataset, but has an entry in ClinVar (Variation ID: 553656)3. A single functional study demonstrates that this variant alters the intron 2 splice donor site and leads to aberrant CFTR mRNA splicing. We consider CFTR c.164+2dup to be likely pathogenic.

Genome-Nilou Lab
Classification: Likely pathogenic for Cystic fibrosis. Last evaluated: 2021-07-22. Review status: criteria provided, single submitter. Criteria: ACMG Guidelines, 2015. Collection method: clinical testing. Allele origin: germline. Affected: no.

Mendelics
Classification: Pathogenic for Cystic fibrosis. Last evaluated: 2018-11-05. Review status: criteria provided, single submitter. Criteria: Mendelics Assertion Criteria 2017. Collection method: clinical testing. Allele origin: unknown. Affected: yes.

Counsyl
Classification: Uncertain significance for Cystic fibrosis. Last evaluated: 2017-11-14. Review status: no assertion criteria provided. Collection method: clinical testing. Allele origin: unknown. Not counted in ClinVar's aggregate classification.

Literature cited by the submitters: PubMed 38151412 (cited by 3 submitters).

NM_000492.4(CFTR):c.164+2dup

Gene: CFTR (CF transmembrane conductance regulator; plus strand). Cytogenetic location: 7q31.2.
Variant type: Duplication.
Coding change: c.164+2dup on transcript NM_000492.4 (MANE Select); the canonical splice donor site of the intron after coding-DNA position 164, one base duplicated (T; older notation c.164+2dupT).
Molecular consequence: splice donor variant.
Genome position (GRCh38, 1-based): chr7:117,504,365, T duplicated. VCF-style (leftmost placement, unchanged base first): chr7-117504364-G-GT. GRCh37 (hg19) VCF-style: chr7-117144418-G-GT.
Other names: c.164+2dupT (NM_000492.4, NM_000492.3).
Identifiers: ClinVar variation 553656 (VCV000553656.13), dbSNP rs1554375870, ClinGen allele CA658822029.
Genomic context (GRCh38, chr7:117,504,364, plus strand): 5'-AGACATATACCAAATCCCTTCTGTTGATTCTGCTGACAATCTATCTGAAAAATTGGAAAG[G>GT]TATGTTCATGTACATTGTTTAGTTGAAGAGAGAAATTCATATTATTAATTATTTAGAGAA-3'